The following is an entry in ClinVar:

NM_001378974.1(FBXW11):c.1552C>T (p.Arg518Trp)

Gene: FBXW11 (F-box and WD repeat domain containing 11; minus strand). Cytogenetic location: 5q35.1.
Variant type: single nucleotide variant.
Coding change: c.1552C>T on transcript NM_001378974.1 (MANE Select); coding-DNA position 1552, C replaced by T.
Protein change: p.Arg518Trp; replaces arginine 518 with tryptophan.
Molecular consequence: missense variant.
Genome position (GRCh38, 1-based): chr5:171,868,775, G>A on the plus strand (C>T on the coding strand, the complement: FBXW11 is on the minus strand). VCF-style: chr5-171868775-G-A. GRCh37 (hg19) VCF-style: chr5-171295779-G-A.
Other names: c.1483C>T, p.Arg495Trp (NM_001378975.1); c.1456C>T, p.Arg486Trp (NM_001378976.1); c.1393C>T, p.Arg465Trp (NM_001378977.1, NM_001378978.1, NM_001378979.1); c.1387C>T, p.Arg463Trp (NM_001378980.1, NM_033645.3); c.1489C>T, p.Arg497Trp (NM_012300.3); c.1450C>T, p.Arg484Trp (NM_033644.3); short protein forms R463W, R465W, R484W, R486W, R495W, R497W, R518W.
Identifiers: ClinVar variation 3365154 (VCV003365154.2).
Genomic context (GRCh38, chr5:171,868,775, plus strand): 5'-AAATCAAAATAGTGTCATCATGGGAGCTGCTGATGATCTGAAACTCATCAAACTGGAGCC[G>A]AAACACACGTCCAGAATGTTCCTATGAAATACAAAACTTCATGAATAAAATGAGATCTTT-3'
Protein context (NP_001365903.1, residues 508-528): TLVEHSGRVF[Arg518Trp]LQFDEFQIIS

ClinVar aggregate classification (germline): Pathogenic (1 of 4 stars; one submission).

Submission:

GeneDx
Classification: Pathogenic. Last evaluated: 2026-10-07. Review status: criteria provided, single submitter. Criteria: GeneDx Variant Classification Process June 2021. Collection method: clinical testing. Allele origin: germline.
Comment: Not observed at significant frequency in large population cohorts (gnomAD); In silico analysis supports that this missense variant has a deleterious effect on protein structure/function; Has not been previously published as pathogenic or benign to our knowledge